The following is an entry in ClinVar:

ClinVar aggregate classification (germline): Uncertain significance (1 of 4 stars; one submission).

Conditions:
Spermatogenic failure 18. Identifiers: MedGen C4539783, MONDO:0054615, OMIM 617576.
Ciliary dyskinesia, primary, 37 (CILD37). Also called: CILIARY DYSKINESIA, PRIMARY, 37, WITH OR WITHOUT SITUS INVERSUS. Identifiers: MedGen C4539798, MONDO:0033204, OMIM 617577.

Allele frequency attached by ClinVar (database versions not stated): TOPMed below 0.00001; ExAC 0.00002.
gnomAD v4.1: 5 of 1,613,998 alleles (0.00031%); highest among the groups gnomAD compares: Non-Finnish European, 0.00042%; no homozygotes.

Submission:

Labcorp Genetics (formerly Invitae), Labcorp
Classification: Uncertain significance for Ciliary dyskinesia, primary, 37; Spermatogenic failure 18. Last evaluated: 2022-02-05. Review status: criteria provided, single submitter. Criteria: Invitae Variant Classification Sherloc (09022015). Collection method: clinical testing. Allele origin: germline.
Comment: In summary, the available evidence is currently insufficient to determine the role of this variant in disease. Therefore, it has been classified as a Variant of Uncertain Significance. Algorithms developed to predict the effect of missense changes on protein structure and function output the following: SIFT: "Tolerated"; PolyPhen-2: "Benign"; Align-GVGD: "Class C0". The valine amino acid residue is found in multiple mammalian species, which suggests that this missense change does not adversely affect protein function. This variant has not been reported in the literature in individuals affected with DNAH1-related conditions. This variant is present in population databases (rs774128104, gnomAD 0.002%). This sequence change replaces isoleucine, which is neutral and non-polar, with valine, which is neutral and non-polar, at codon 1542 of the DNAH1 protein (p.Ile1542Val).

NM_015512.5(DNAH1):c.4624A>G (p.Ile1542Val)

Gene: DNAH1 (dynein axonemal heavy chain 1; plus strand). Cytogenetic location: 3p21.1.
Variant type: single nucleotide variant.
Coding change: c.4624A>G on transcript NM_015512.5 (MANE Select); coding-DNA position 4624, A replaced by G.
Protein change: p.Ile1542Val; replaces isoleucine 1542 with valine.
Molecular consequence: missense variant.
Genome position (GRCh38, 1-based): chr3:52,360,363, A>G. VCF-style: chr3-52360363-A-G. GRCh37 (hg19) VCF-style: chr3-52394379-A-G.
Other names: short protein forms I1542V.
Identifiers: ClinVar variation 1379402 (VCV001379402.8), dbSNP rs774128104, ClinGen allele CA2433968.
Genomic context (GRCh38, chr3:52,360,363, plus strand): 5'-ACCGCCAGGTACTACTGGACAAATAATGACCTGTATATCCGTGCTGTGAATGCTGAGTTC[A>G]TCTATGGCTATGAGTACCTGGGCAACAGTGGGAGGCTGGTGATCACGCCCCTCACCGACA-3'
Protein context (NP_056327.4, residues 1532-1552): LYIRAVNAEF[Ile1542Val]YGYEYLGNSG